The following is an entry in ClinVar:

NM_004863.4(SPTLC2):c.1057G>A (p.Gly353Ser)

Gene: SPTLC2 (serine palmitoyltransferase long chain base subunit 2; minus strand). Cytogenetic location: 14q24.3.
Variant type: single nucleotide variant.
Coding change: c.1057G>A on transcript NM_004863.4 (MANE Select); coding-DNA position 1057, G replaced by A.
Protein change: p.Gly353Ser; replaces glycine 353 with serine.
Molecular consequence: missense variant.
Genome position (GRCh38, 1-based): chr14:77,555,419, C>T on the plus strand (G>A on the coding strand, the complement: SPTLC2 is on the minus strand). VCF-style: chr14-77555419-C-T. GRCh37 (hg19) VCF-style: chr14-78021762-C-T.
Other names: short protein forms G353S.
Identifiers: ClinVar variation 391073 (VCV000391073.2), dbSNP rs1057523960, ClinGen allele CA16606591.
Genomic context (GRCh38, chr14:77,555,419, plus strand): 5'-TAACATCCACATCCTCGGGATCCAGGCCAAAGTACTCCACCACACCCCGGCCTGTGGGGC[C>T]CAGGGCGCCAATGCTGTGAGCCTCATCCAGATACAAGTATGCCTTGTATTTCTTCTTGAG-3'
Protein context (NP_004854.1, residues 343-363): LDEAHSIGAL[Gly353Ser]PTGRGVVEYF

ClinVar aggregate classification (germline): Uncertain significance (1 of 4 stars; one submission).

Submission:

GeneDx
Classification: Uncertain significance. Last evaluated: 2016-12-19. Review status: criteria provided, single submitter. Criteria: GeneDx Variant Classification (06012015). Collection method: clinical testing. Allele origin: germline. Affected: yes.
Comment: The G353S variant in the SPTLC2 gene has not been reported previously as a pathogenic variant, nor as a benign variant, to our knowledge. The G353S variant was not observed in approximately 6500 individuals of European and African American ancestry in the NHLBI Exome Sequencing Project, indicating it is not a common benign variant in these populations. The G353S variant is a non-conservative amino acid substitution, which is likely to impact secondary protein structure as these residues differ in polarity, charge, size and/or other properties. This substitution occurs at a position that is conserved across species. In silico analysis predicts this variant is probably damaging to the protein structure/function. We interpret G353S as a variant of uncertain significance.